The following is an entry in ClinVar:

NM_000059.4(BRCA2):c.6529A>C (p.Ile2177Leu)

Gene: BRCA2 (BRCA2 DNA repair associated; plus strand). Cytogenetic location: 13q13.1.
Variant type: single nucleotide variant.
Coding change: c.6529A>C on transcript NM_000059.4 (MANE Select); coding-DNA position 6529, A replaced by C.
Protein change: p.Ile2177Leu; replaces isoleucine 2177 with leucine.
Molecular consequence: missense variant. On other transcripts: non-coding transcript variant (1), intron variant (2).
Genome position (GRCh38, 1-based): chr13:32,340,884, A>C. VCF-style: chr13-32340884-A-C. GRCh37 (hg19) VCF-style: chr13-32915021-A-C.
Other names: c.6529A>C, p.Ile2177Leu (NM_001406719.1, NM_001406720.1); c.1910-3674A>C (NM_001406721.1); c.425-3674A>C (NM_001406722.1); short protein forms I2177L.
Identifiers: ClinVar variation 2868277 (VCV002868277.3), dbSNP rs1593908997, ClinGen allele CA387789656.

ClinVar aggregate classification (germline): Uncertain significance (1 of 4 stars; one submission).

Conditions:
Hereditary breast ovarian cancer syndrome. Also called: Hereditary breast and ovarian cancer syndrome; Hereditary breast and ovarian cancer; BRCA1- and BRCA2-Associated Hereditary Breast and Ovarian Cancer; Hereditary breast and/or ovarian cancer syndrome; Breast and ovarian cancer; Hereditary breast and ovarian cancer syndrome (HBOC). Identifiers: Orphanet 145, MedGen C0677776, MeSH D061325, MONDO:0003582. Disease mechanism: loss of function.

Submission:

Labcorp Genetics (formerly Invitae), Labcorp
Classification: Uncertain significance for Hereditary breast ovarian cancer syndrome. Last evaluated: 2023-01-17. Review status: criteria provided, single submitter. Criteria: Invitae Variant Classification Sherloc (09022015). Collection method: clinical testing. Allele origin: germline.
Comment: This variant has not been reported in the literature in individuals affected with BRCA2-related conditions. This variant is not present in population databases (gnomAD no frequency). This sequence change replaces isoleucine, which is neutral and non-polar, with leucine, which is neutral and non-polar, at codon 2177 of the BRCA2 protein (p.Ile2177Leu). Advanced modeling of protein sequence and biophysical properties (such as structural, functional, and spatial information, amino acid conservation, physicochemical variation, residue mobility, and thermodynamic stability) performed at Invitae indicates that this missense variant is not expected to disrupt BRCA2 protein function. In summary, the available evidence is currently insufficient to determine the role of this variant in disease. Therefore, it has been classified as a Variant of Uncertain Significance.